The following is an entry in ClinVar:

GRCh37/hg19 3q26.33(chr3:180102701-181991155)x1

Genes: FXR1 (FMR1 autosomal homolog 1; plus strand), SOX2 (SRY-box transcription factor 2; plus strand), SOX2-OT (SOX2 overlapping transcript; plus strand), CCDC39 (coiled-coil domain 39 molecular ruler complex subunit; minus strand), TTC14 (tetratricopeptide repeat domain 14; plus strand) and 1 more. Cytogenetic location: 3q26.33.
Variant type: copy number loss.
Change: copy number 1 (one copy instead of two) of chr3:180,102,701-181,991,155 (1.89 Mb, GRCh37 coordinates, 1-based), cytogenetic band 3q26.33.
Identifiers: ClinVar variation 986754 (VCV000986754.1).

ClinVar aggregate classification (germline): Pathogenic (0 of 4 stars; one submission).

Conditions:
Anophthalmia/microphthalmia-esophageal atresia syndrome (MCOPS3). Also called: MICROPHTHALMIA AND ESOPHAGEAL ATRESIA SYNDROME; AEG SYNDROME; SOX2 Disorder. Identifiers: Orphanet 77298, MedGen C1859773, MONDO:0008799, OMIM 206900.

Submission:

Anophthalmia/Microphthalmia Research Registry, Einstein Medical Center Philadelphia
Classification: Pathogenic for Anophthalmia/microphthalmia-esophageal atresia syndrome. Review status: no assertion criteria provided. Collection method: clinical testing. Allele origin: germline. Inheritance: Autosomal dominant inheritance. Affected: yes. Observed: 1 variant allele. Segregation with disease not observed.